The following is an entry in ClinVar:

NM_015915.5(ATL1):c.322A>G (p.Thr108Ala)

Gene: ATL1 (atlastin GTPase 1; plus strand). Cytogenetic location: 14q22.1.
Variant type: single nucleotide variant.
Coding change: c.322A>G on transcript NM_015915.5 (MANE Select); coding-DNA position 322, A replaced by G.
Protein change: p.Thr108Ala; replaces threonine 108 with alanine.
Molecular consequence: missense variant.
Genome position (GRCh38, 1-based): chr14:50,590,980, A>G. VCF-style: chr14-50590980-A-G. GRCh37 (hg19) VCF-style: chr14-51057698-A-G.
Other names: c.322A>G, p.Thr108Ala (NM_001127713.1, NM_181598.4); short protein forms T108A.
Identifiers: ClinVar variation 377500 (VCV000377500.21), dbSNP rs112496709, ClinGen allele CA7180213.

ClinVar aggregate classification (germline): Conflicting classifications of pathogenicity. Review status: criteria provided, conflicting classifications (1 of 4 stars). 6 submissions from 6 submitters: Uncertain significance (2); Likely benign (2). 2 of the submissions do not count toward it. Last evaluated 2025-02-23.

Conditions:
Inborn genetic diseases. Identifiers: MedGen C0950123, MeSH D030342.
Hereditary spastic paraplegia 3A (SPG3A). Also called: SPASTIC PARAPLEGIA 3, AUTOSOMAL DOMINANT; FAMILIAL SPASTIC PARAPLEGIA, AUTOSOMAL DOMINANT, 1; SPG3; STRUMPELL DISEASE; Spastic Paraplegia 3A; Spastic paraplegia 3A, autosomal dominant. Identifiers: Orphanet 100984, MedGen C2931355, MONDO:0008437, OMIM 182600.

Allele frequency attached by ClinVar (database versions not stated): TOPMed 0.00008; gnomAD 0.00009 and 0.00010; gnomAD exomes 0.00010 and 0.00016; ExAC 0.00025; 1000 Genomes Project 30x 0.00031.
gnomAD v4.1: 166 of 1,613,956 alleles (0.01%); highest among the groups gnomAD compares: Non-Finnish European, 0.013%; no homozygotes.

Submissions (6):

Labcorp Genetics (formerly Invitae), Labcorp
Classification: Likely benign for Hereditary spastic paraplegia 3A. Last evaluated: 2025-02-23. Review status: criteria provided, single submitter. Criteria: Invitae Variant Classification Sherloc (09022015). Collection method: clinical testing. Allele origin: germline.

GeneDx
Classification: Uncertain significance. Last evaluated: 2023-07-31. Review status: criteria provided, single submitter. Criteria: GeneDx Variant Classification Process June 2021. Collection method: clinical testing. Allele origin: germline. Affected: yes.
Comment: In silico analysis supports that this missense variant does not alter protein structure/function; Has not been previously published as pathogenic or benign to our knowledge; This variant is associated with the following publications: (PMID: 23334294)

Ambry Genetics
Classification: Uncertain significance for Inborn genetic diseases. Last evaluated: 2020-12-09. Review status: criteria provided, single submitter. Criteria: Ambry Variant Classification Scheme 2023. Collection method: clinical testing. Allele origin: germline.
Comment: The p.T108A variant (also known as c.322A>G), located in coding exon 3 of the ATL1 gene, results from an A to G substitution at nucleotide position 322. The threonine at codon 108 is replaced by alanine, an amino acid with similar properties. This amino acid position is highly conserved in available vertebrate species. In addition, this alteration is predicted to be tolerated by in silico analysis. Based on the supporting evidence, this variant is unlikely to be causative of autosomal dominant spastic paraplegia 3A or hereditary sensory neuropathy type ID; however, its contribution to the development of autosomal recessive spastic paraplegia 3A is uncertain. Since supporting evidence is limited at this time, the clinical significance of this alteration remains unclear.

Illumina Laboratory Services, Illumina
Classification: Likely benign for Hereditary spastic paraplegia 3A. Last evaluated: 2018-01-13. Review status: criteria provided, single submitter. Criteria: ICSL Variant Classification Criteria 13 December 2019. Collection method: clinical testing. Allele origin: germline.
Comment: This variant was observed in the ICSL laboratory as part of a predisposition screen in an ostensibly healthy population. It had not been previously curated by ICSL or reported in the Human Gene Mutation Database (HGMD: prior to June 1st, 2018), and was therefore a candidate for classification through an automated scoring system. Utilizing variant allele frequency, disease prevalence and penetrance estimates, and inheritance mode, an automated score was calculated to assess if this variant is too frequent to cause the disease. Based on the score and internal cut-off values, a variant classified as likely benign is not then subjected to further curation. The score for this variant resulted in a classification of likely benign for this disease.

Clinical Genetics DNA and cytogenetics Diagnostics Lab, Erasmus MC, Erasmus Medical Center
Classification: Likely benign. Review status: no assertion criteria provided. Collection method: clinical testing. Allele origin: germline. Affected: yes. Study: VKGL Data-share Consensus. Not counted in ClinVar's aggregate classification.

Genome Diagnostics Laboratory, University Medical Center Utrecht
Classification: Likely benign. Review status: no assertion criteria provided. Collection method: clinical testing. Allele origin: germline. Affected: yes. Study: VKGL Data-share Consensus. Not counted in ClinVar's aggregate classification.